The following is an entry in ClinVar:

ClinVar aggregate classification (germline): Uncertain significance (1 of 4 stars; one submission).

gnomAD v4.1: 68 of 1,610,260 alleles (0.0042%); highest among the groups gnomAD compares: Admixed American, 0.005%; no homozygotes.

Submission:

Labcorp Genetics (formerly Invitae), Labcorp
Classification: Uncertain significance. Last evaluated: 2025-06-17. Review status: criteria provided, single submitter. Criteria: Invitae Variant Classification Sherloc (09022015). Collection method: clinical testing. Allele origin: germline.
Comment: This sequence change replaces leucine, which is neutral and non-polar, with arginine, which is basic and polar, at codon 79 of the DCN protein (p.Leu79Arg). This variant is present in population databases (rs765826074, gnomAD 0.007%). This variant has not been reported in the literature in individuals affected with DCN-related conditions. An algorithm developed to predict the effect of missense changes on protein structure and function (PolyPhen-2) suggests that this variant is likely to be disruptive. In summary, the available evidence is currently insufficient to determine the role of this variant in disease. Therefore, it has been classified as a Variant of Uncertain Significance.

NM_001920.5(DCN):c.236T>G (p.Leu79Arg)

Gene: DCN (decorin; minus strand). Cytogenetic location: 12q21.33.
Variant type: single nucleotide variant.
Coding change: c.236T>G on transcript NM_001920.5 (MANE Select); coding-DNA position 236, T replaced by G.
Protein change: p.Leu79Arg; replaces leucine 79 with arginine.
Molecular consequence: missense variant. On other transcripts: intron variant (3).
Genome position (GRCh38, 1-based): chr12:91,164,693, A>C on the plus strand (T>G on the coding strand, the complement: DCN is on the minus strand). VCF-style: chr12-91164693-A-C. GRCh37 (hg19) VCF-style: chr12-91558470-A-C.
Other names: c.236T>G, p.Leu79Arg (NM_133503.4, NM_133506.3); c.211+13649T>G (NM_133507.3); c.212-11504T>G (NM_133505.3); c.212-7505T>G (NM_133504.3); short protein forms L79R.
Identifiers: ClinVar variation 4708887 (VCV004708887.1).
Genomic context (GRCh38, chr12:91,164,693, plus strand): 5'-CCATCTTTGATTTCGGTTATTTTGTTGTTTTGCAGGTCTAGCAGAGTTGTGTCAGGGGGA[A>C]GATCCTTTGGCACTTTGTCCAGACCTAGCATAAGAGTAATAGGAGTGTGCTGTGAGTAGA-3'
Protein context (NP_001911.1, residues 69-89): DLGLDKVPKD[Leu79Arg]PPDTTLLDLQ